The following is an entry in ClinVar:

NM_000441.2(SLC26A4):c.279T>A (p.Ser93Arg)

Gene: SLC26A4 (solute carrier family 26 member 4; plus strand). Cytogenetic location: 7q22.3.
Variant type: single nucleotide variant.
Coding change: c.279T>A on transcript NM_000441.2 (MANE Select); coding-DNA position 279, T replaced by A.
Protein change: p.Ser93Arg; replaces serine 93 with arginine.
Molecular consequence: missense variant.
Genome position (GRCh38, 1-based): chr7:107,663,410, T>A. VCF-style: chr7-107663410-T-A. GRCh37 (hg19) VCF-style: chr7-107303855-T-A.
Other names: short protein forms S93R.
Identifiers: ClinVar variation 1297066 (VCV001297066.13), dbSNP rs2129309202, ClinGen allele CA368845701.

ClinVar aggregate classification (germline): Pathogenic/Likely pathogenic. Review status: criteria provided, multiple submitters, no conflicts (2 of 4 stars). 5 submissions from 5 submitters: Pathogenic (3); Likely pathogenic (1). 1 of the submissions does not count toward it. Last evaluated 2024-02-06.

Conditions:
Pendred syndrome (PDS). Also called: Pendred's syndrome; GOITER-DEAFNESS SYNDROME; HYPOTHYROIDISM, CONGENITAL, DUE TO DYSHORMONOGENESIS, 2B; THYROID DYSHORMONOGENESIS 2B; THYROID HORMONOGENESIS, GENETIC DEFECT IN, 2B; Pendred Syndrome (PDS). Identifiers: Orphanet 705, MedGen C0271829, MONDO:0010134, OMIM 274600.
Autosomal recessive nonsyndromic hearing loss 4 (DFNB4). Also called: NEUROSENSORY NONSYNDROMIC RECESSIVE DEAFNESS 4; Nonsyndromic enlarged vestibular aqueduct (NSEVA); FOXI1-Related Pendred Syndrome; KCNJ10-Related Pendred Syndrome; Enlarged vestibular aqueduct, digenic; DEAFNESS, AUTOSOMAL RECESSIVE 4, WITH ENLARGED VESTIBULAR AQUEDUCT, DIGENIC. Identifiers: Orphanet 90636, MedGen C3538946, MONDO:0010933, OMIM 600791.

gnomAD v4.1: 1 of 1,614,102 alleles (0.000062%); highest among the groups gnomAD compares: Non-Finnish European, 0.000085%; no homozygotes.

Submissions (5):

Baylor Genetics
Classification: Pathogenic for Autosomal recessive nonsyndromic hearing loss 4. Last evaluated: 2024-02-06. Review status: criteria provided, single submitter. Criteria: ACMG Guidelines, 2015. Collection method: clinical testing. Allele origin: unknown.

Labcorp Genetics (formerly Invitae), Labcorp
Classification: Likely pathogenic. Last evaluated: 2020-12-15. Review status: criteria provided, single submitter. Criteria: Invitae Variant Classification Sherloc (09022015). Collection method: clinical testing. Allele origin: germline.
Comment: In summary, the currently available evidence indicates that the variant is pathogenic, but additional data are needed to prove that conclusively. Therefore, this variant has been classified as Likely Pathogenic. Experimental studies have shown that this variant affects SLC26A4 protein function (PMID: 23185506). This variant has been observed in individual(s) with SLC26A4-related conditions (PMID: 23918157, 27792752). This variant is not present in population databases (ExAC no frequency). This sequence change replaces serine with arginine at codon 93 of the SLC26A4 protein (p.Ser93Arg). The serine residue is highly conserved and there is a moderate physicochemical difference between serine and arginine.

Juno Genomics, Hangzhou Juno Genomics, Inc
Classification: Pathogenic for Autosomal recessive nonsyndromic hearing loss 4; Pendred syndrome. Review status: criteria provided, single submitter. Criteria: ACMG Guidelines, 2015. Collection method: clinical testing. Allele origin: germline.
Comment: Absent from controls (or at extremely low frequency if recessive) in Genome Aggregation Database.;Multiple lines of computational evidence support a deleterious effect on the gene or gene product.;For recessive disorders, detected in trans with a pathogenic variant.

Precision Medicine Center, Zhengzhou University
Classification: Pathogenic for Autosomal recessive nonsyndromic hearing loss 4. Review status: criteria provided, single submitter. Criteria: ACMG Guidelines, 2015. Collection method: clinical testing. Allele origin: germline. Affected: yes.
Comment: PM2_Supporting: not found in the gnomAD database. PS3: Experimental studies have shown that this variant affects SLC26A4 protein function (PMID: 23185506). PM3_VeryStrong: Pathogenic variants confirmed in trans in four patients and phase unknown in four patients (PMID: 27792752, 23918157, 23185506, 25372295). PP4: Patient's phenotype highly specific for the gene.

Deafness Molecular Diagnostic Center, Chinese PLA General Hospital
Classification: Pathogenic for Autosomal recessive nonsyndromic hearing loss 4. Review status: no assertion criteria provided. Collection method: case-control. Allele origin: maternal. Affected: yes. Not counted in ClinVar's aggregate classification.

Literature cited by the submitters: PubMed 23185506 (cited by Labcorp Genetics (formerly Invitae), Labcorp); PubMed 23918157 (cited by Labcorp Genetics (formerly Invitae), Labcorp); PubMed 27792752 (cited by Labcorp Genetics (formerly Invitae), Labcorp); PubMed 30311386 (cited by Precision Medicine Center, Zhengzhou University).